The following is an entry in ClinVar:

NM_198578.4(LRRK2):c.2545A>G (p.Lys849Glu)

Gene: LRRK2 (leucine rich repeat kinase 2; plus strand). Cytogenetic location: 12q12.
Variant type: single nucleotide variant.
Coding change: c.2545A>G on transcript NM_198578.4 (MANE Select); coding-DNA position 2545, A replaced by G.
Protein change: p.Lys849Glu; replaces lysine 849 with glutamic acid.
Molecular consequence: missense variant.
Genome position (GRCh38, 1-based): chr12:40,287,395, A>G. VCF-style: chr12-40287395-A-G. GRCh37 (hg19) VCF-style: chr12-40681197-A-G.
Other names: short protein forms K849E.
Identifiers: ClinVar variation 3711374 (VCV003711374.2).

ClinVar aggregate classification (germline): Uncertain significance (1 of 4 stars; one submission).

Conditions:
Autosomal dominant Parkinson disease 8. Also called: LRRK2-Related Parkinson Disease; Parkinson disease 8; Parkinson disease 8, susceptibility to. Identifiers: Orphanet 411602, MedGen C1846862, MONDO:0011764, OMIM 607060.

gnomAD v4.1: 2 of 1,612,680 alleles (0.00012%); highest among the groups gnomAD compares: Non-Finnish European, 0.00017%; no homozygotes.

Submission:

Labcorp Genetics (formerly Invitae), Labcorp
Classification: Uncertain significance for Autosomal dominant Parkinson disease 8. Last evaluated: 2024-10-12. Review status: criteria provided, single submitter. Criteria: Invitae Variant Classification Sherloc (09022015). Collection method: clinical testing. Allele origin: germline.
Comment: This sequence change replaces lysine, which is basic and polar, with glutamic acid, which is acidic and polar, at codon 849 of the LRRK2 protein (p.Lys849Glu). This variant is present in population databases (rs201935073, gnomAD 0.0009%). This variant has not been reported in the literature in individuals affected with LRRK2-related conditions. Invitae Evidence Modeling of protein sequence and biophysical properties (such as structural, functional, and spatial information, amino acid conservation, physicochemical variation, residue mobility, and thermodynamic stability) indicates that this missense variant is not expected to disrupt LRRK2 protein function with a negative predictive value of 80%. In summary, the available evidence is currently insufficient to determine the role of this variant in disease. Therefore, it has been classified as a Variant of Uncertain Significance.